The following is an entry in ClinVar:

ClinVar aggregate classification (germline): Uncertain significance (1 of 4 stars; one submission).

Conditions:
Hypertrophic cardiomyopathy. Also called: HYPERTROPHIC MYOCARDIOPATHY. Identifiers: Orphanet 217569, MedGen C0007194, MeSH D002312, MONDO:0005045, HP:0001639.

Allele frequency attached by ClinVar (database versions not stated): gnomAD exomes below 0.00001.
gnomAD v4.1: 2 of 1,613,928 alleles (0.00012%); highest among the groups gnomAD compares: South Asian, 0.0011%; no homozygotes.

Submission:

Labcorp Genetics (formerly Invitae), Labcorp
Classification: Uncertain significance for Hypertrophic cardiomyopathy. Last evaluated: 2025-02-06. Review status: criteria provided, single submitter. Criteria: Invitae Variant Classification Sherloc (09022015). Collection method: clinical testing. Allele origin: germline.
Comment: This sequence change replaces valine, which is neutral and non-polar, with isoleucine, which is neutral and non-polar, at codon 1331 of the MYOM1 protein (p.Val1331Ile). This variant is present in population databases (no rsID available, gnomAD 0.003%). This variant has not been reported in the literature in individuals affected with MYOM1-related conditions. ClinVar contains an entry for this variant (Variation ID: 1397482). Invitae Evidence Modeling of protein sequence and biophysical properties (such as structural, functional, and spatial information, amino acid conservation, physicochemical variation, residue mobility, and thermodynamic stability) indicates that this missense variant is not expected to disrupt MYOM1 protein function with a negative predictive value of 80%. In summary, the available evidence is currently insufficient to determine the role of this variant in disease. Therefore, it has been classified as a Variant of Uncertain Significance.

NM_003803.4(MYOM1):c.3991G>A (p.Val1331Ile)

Gene: MYOM1 (myomesin 1; minus strand). Cytogenetic location: 18p11.31.
Variant type: single nucleotide variant.
Coding change: c.3991G>A on transcript NM_003803.4 (MANE Select); coding-DNA position 3991, G replaced by A.
Protein change: p.Val1331Ile; replaces valine 1331 with isoleucine.
Molecular consequence: missense variant.
Genome position (GRCh38, 1-based): chr18:3,090,676, C>T on the plus strand (G>A on the coding strand, the complement: MYOM1 is on the minus strand). VCF-style: chr18-3090676-C-T. GRCh37 (hg19) VCF-style: chr18-3090674-C-T.
Other names: c.3703G>A, p.Val1235Ile (NM_019856.2); short protein forms V1331I, V1235I.
Identifiers: ClinVar variation 1397482 (VCV001397482.8), dbSNP rs1486084771, ClinGen allele CA401712177.